The following is an entry in ClinVar:

NM_001243279.3(ACSF3):c.933G>A (p.Pro311=)

Gene: ACSF3 (acyl-CoA synthetase family member 3; plus strand). Cytogenetic location: 16q24.3.
Variant type: single nucleotide variant.
Coding change: c.933G>A on transcript NM_001243279.3 (MANE Select); coding-DNA position 933, G replaced by A.
Protein change: p.Pro311=; no amino-acid change (proline 311 retained).
Molecular consequence: synonymous variant. On other transcripts: non-coding transcript variant (3).
Genome position (GRCh38, 1-based): chr16:89,112,202, G>A. VCF-style: chr16-89112202-G-A. GRCh37 (hg19) VCF-style: chr16-89178610-G-A.
Other names: c.933G>A, p.Pro311= (NM_001127214.4, NM_174917.5); c.138G>A, p.Pro46= (NM_001284316.2).
Identifiers: ClinVar variation 709417 (VCV000709417.14), dbSNP rs150686471, ClinGen allele CA8237885.

ClinVar aggregate classification (germline): Likely benign. Review status: criteria provided, single submitter (1 of 4 stars). 3 submissions from 3 submitters: Likely benign (1). 2 of the submissions do not count toward it. Last evaluated 2026-01-20.

Conditions:
ACSF3-related disorder. Also called: ACSF3-related condition.
Combined malonic and methylmalonic acidemia. Identifiers: Orphanet 289504, MedGen C3280314, MONDO:0013661, OMIM 614265.

Allele frequency attached by ClinVar (database versions not stated): TOPMed 0.00014; ExAC 0.00015; ESP Exome Variant Server 0.00015; 1000 Genomes Project 30x 0.00016; gnomAD 0.00017 and 0.00018; 1000 Genomes Project 0.00020.

Submissions (3):

Labcorp Genetics (formerly Invitae), Labcorp
Classification: Likely benign for Combined malonic and methylmalonic acidemia. Last evaluated: 2026-01-20. Review status: criteria provided, single submitter. Criteria: Invitae Variant Classification Sherloc (09022015). Collection method: clinical testing. Allele origin: germline.

Natera, Inc.
Classification: Likely benign for Combined malonic and methylmalonic aciduria. Last evaluated: 2020-01-06. Review status: no assertion criteria provided. Collection method: clinical testing. Allele origin: germline. Not counted in ClinVar's aggregate classification.

PreventionGenetics, part of Exact Sciences
Classification: Likely benign for ACSF3-related condition. Last evaluated: 2019-07-16. Review status: no assertion criteria provided. Collection method: clinical testing. Allele origin: germline. Not counted in ClinVar's aggregate classification.
Comment: This variant is classified as likely benign based on ACMG/AMP sequence variant interpretation guidelines (Richards et al. 2015 PMID: 25741868, with internal and published modifications).